The following is an entry in ClinVar:

ClinVar aggregate classification (germline): Uncertain significance. Review status: criteria provided, multiple submitters, no conflicts (2 of 4 stars). 2 submissions from 2 submitters: Uncertain significance (2). Last evaluated 2024-05-23.

Allele frequency attached by ClinVar (database versions not stated): gnomAD exomes below 0.00001; TOPMed below 0.00001; gnomAD 0.00001.
gnomAD v4.1: 2 of 1,614,024 alleles (0.00012%); highest among the groups gnomAD compares: Non-Finnish European, 0.00017%; no homozygotes.

Submissions (2):

Labcorp Genetics (formerly Invitae), Labcorp
Classification: Uncertain significance. Last evaluated: 2024-05-23. Review status: criteria provided, single submitter. Criteria: Invitae Variant Classification Sherloc (09022015). Collection method: clinical testing. Allele origin: germline.
Comment: This sequence change replaces serine, which is neutral and polar, with proline, which is neutral and non-polar, at codon 1097 of the IMPG2 protein (p.Ser1097Pro). This variant is not present in population databases (gnomAD no frequency). This variant has not been reported in the literature in individuals affected with IMPG2-related conditions. ClinVar contains an entry for this variant (Variation ID: 938235). Advanced modeling of protein sequence and biophysical properties (such as structural, functional, and spatial information, amino acid conservation, physicochemical variation, residue mobility, and thermodynamic stability) performed at Invitae indicates that this missense variant is expected to disrupt IMPG2 protein function with a positive predictive value of 80%. In summary, the available evidence is currently insufficient to determine the role of this variant in disease. Therefore, it has been classified as a Variant of Uncertain Significance.

Blueprint Genetics
Classification: Uncertain significance. Last evaluated: 2019-04-18. Review status: criteria provided, single submitter. Criteria: ACMG Guidelines, 2015. Collection method: clinical testing. Allele origin: germline.

NM_016247.4(IMPG2):c.3289T>C (p.Ser1097Pro)

Gene: IMPG2 (interphotoreceptor matrix proteoglycan 2; minus strand). Cytogenetic location: 3q12.3.
Variant type: single nucleotide variant.
Coding change: c.3289T>C on transcript NM_016247.4 (MANE Select); coding-DNA position 3289, T replaced by C.
Protein change: p.Ser1097Pro; replaces serine 1097 with proline.
Molecular consequence: missense variant.
Genome position (GRCh38, 1-based): chr3:101,231,090, A>G on the plus strand (T>C on the coding strand, the complement: IMPG2 is on the minus strand). VCF-style: chr3-101231090-A-G. GRCh37 (hg19) VCF-style: chr3-100949934-A-G.
Other names: short protein forms S1097P.
Identifiers: ClinVar variation 938235 (VCV000938235.8), dbSNP rs1473665989, ClinGen allele CA353848883.